The following is an entry in ClinVar:

NM_004380.3(CREBBP):c.3738C>T (p.Gly1246=)

Gene: CREBBP (CREB binding lysine acetyltransferase; minus strand). Cytogenetic location: 16p13.3.
Variant type: single nucleotide variant.
Coding change: c.3738C>T on transcript NM_004380.3 (MANE Select); coding-DNA position 3738, C replaced by T.
Protein change: p.Gly1246=; no amino-acid change (glycine 1246 retained).
Molecular consequence: synonymous variant.
Genome position (GRCh38, 1-based): chr16:3,751,767, G>A on the plus strand (C>T on the coding strand, the complement: CREBBP is on the minus strand). VCF-style: chr16-3751767-G-A. GRCh37 (hg19) VCF-style: chr16-3801768-G-A.
Other names: c.3624C>T, p.Gly1208= (NM_001079846.1); c.3738C>T (NM_004380.2).
Identifiers: ClinVar variation 3014314 (VCV003014314.4), dbSNP rs763431383, ClinGen allele CA7869760.
Genomic context (GRCh38, chr16:3,751,767, plus strand): 5'-ATGACAGGACGGTACTTACGTCTGGGGCTGTGAAGGGTCGTCACCCAGGGTCACATTCTC[G>A]CCCTGGATCTCTGTGAAACACTTCTCACAGAAATGATACCTGTCAGCAAGAAGGCCATAC-3'
Protein context (NP_004371.2, residues 1236-1256): FCEKCFTEIQ[Gly1246=]ENVTLGDDPS

ClinVar aggregate classification (germline): Benign. Review status: criteria provided, single submitter (1 of 4 stars). 2 submissions from 2 submitters: Benign (1). 1 of the submissions does not count toward it. Last evaluated 2023-09-29.

Conditions:
Rubinstein-Taybi syndrome (RSTS). Identifiers: Orphanet 783, MedGen C0035934, MONDO:0019188.
CREBBP-related disorder. Also called: CREBBP-related condition; CREBBP-related disorders.

Allele frequency attached by ClinVar (database versions not stated): ExAC 0.00004.
gnomAD v4.1: 14 of 1,614,066 alleles (0.00087%); highest among the groups gnomAD compares: Middle Eastern, 0.016%; no homozygotes.

Submissions (2):

Labcorp Genetics (formerly Invitae), Labcorp
Classification: Benign for Rubinstein-Taybi syndrome. Last evaluated: 2023-09-29. Review status: criteria provided, single submitter. Criteria: Invitae Variant Classification Sherloc (09022015). Collection method: clinical testing. Allele origin: germline.

PreventionGenetics, part of Exact Sciences
Classification: Likely benign for CREBBP-related condition. Last evaluated: 2024-05-21. Review status: no assertion criteria provided. Collection method: clinical testing. Allele origin: germline. Not counted in ClinVar's aggregate classification.
Comment: This variant is classified as likely benign based on ACMG/AMP sequence variant interpretation guidelines (Richards et al. 2015 PMID: 25741868, with internal and published modifications).